The following is an entry in ClinVar:

NM_152564.5(VPS13B):c.1159A>G (p.Ile387Val)

Gene: VPS13B (vacuolar protein sorting 13 homolog B; plus strand). Cytogenetic location: 8q22.2.
Variant type: single nucleotide variant.
Coding change: c.1159A>G on transcript NM_152564.5 (MANE Select); coding-DNA position 1159, A replaced by G.
Protein change: p.Ile387Val; replaces isoleucine 387 with valine.
Molecular consequence: missense variant. On other transcripts: non-coding transcript variant (1).
Genome position (GRCh38, 1-based): chr8:99,121,398, A>G. VCF-style: chr8-99121398-A-G. GRCh37 (hg19) VCF-style: chr8-100133626-A-G.
Other names: c.1159A>G, p.Ile387Val (NM_015243.3, NM_017890.5, NM_181661.3); short protein forms I387V.
Identifiers: ClinVar variation 991207 (VCV000991207.7), dbSNP rs1170794758, ClinGen allele CA371861254.
Genomic context (GRCh38, chr8:99,121,398, plus strand): 5'-GTTGGGAACGATCCTGCATCAACCATGCATCAACAAAAAGCACAGACTTTGAAGGATCCT[A>G]TTGTTTCTATAGGATTTTATTGCACAAAGGCAACGGTGACTTTCAAAGTAGGTCTTTTCT-3'
Protein context (NP_689777.3, residues 377-397): QQKAQTLKDP[Ile387Val]VSIGFYCTKA

ClinVar aggregate classification (germline): Uncertain significance. Review status: criteria provided, single submitter (1 of 4 stars). 2 submissions from 2 submitters: Uncertain significance (1). 1 of the submissions does not count toward it. Last evaluated 2024-04-10.

Conditions:
Cohen syndrome (COH1). Also called: Cutis verticis gyrata, retinitis pigmentosa, and sensorineural deafness; PEPPER SYNDROME. Identifiers: Orphanet 193, MedGen C0265223, MONDO:0008999, OMIM 216550.

Allele frequency attached by ClinVar (database versions not stated): gnomAD exomes below 0.00001.
gnomAD v4.1: 3 of 1,614,154 alleles (0.00019%); highest among the groups gnomAD compares: Admixed American, 0.0017%; no homozygotes.

Submissions (2):

Labcorp Genetics (formerly Invitae), Labcorp
Classification: Uncertain significance for Cohen syndrome. Last evaluated: 2024-04-10. Review status: criteria provided, single submitter. Criteria: Invitae Variant Classification Sherloc (09022015). Collection method: clinical testing. Allele origin: germline.
Comment: This sequence change replaces isoleucine, which is neutral and non-polar, with valine, which is neutral and non-polar, at codon 387 of the VPS13B protein (p.Ile387Val). This variant is present in population databases (no rsID available, gnomAD 0.003%). This variant has not been reported in the literature in individuals affected with VPS13B-related conditions. ClinVar contains an entry for this variant (Variation ID: 991207). Advanced modeling of protein sequence and biophysical properties (such as structural, functional, and spatial information, amino acid conservation, physicochemical variation, residue mobility, and thermodynamic stability) performed at Invitae indicates that this missense variant is not expected to disrupt VPS13B protein function with a negative predictive value of 80%. In summary, the available evidence is currently insufficient to determine the role of this variant in disease. Therefore, it has been classified as a Variant of Uncertain Significance.

Natera, Inc.
Classification: Uncertain significance for Cohen syndrome. Last evaluated: 2020-08-13. Review status: no assertion criteria provided. Collection method: clinical testing. Allele origin: germline. Not counted in ClinVar's aggregate classification.